The following is an entry in ClinVar:

NM_000350.3(ABCA4):c.57A>T (p.Lys19Asn)

Gene: ABCA4 (ATP binding cassette subfamily A member 4; minus strand). Cytogenetic location: 1p22.1.
Variant type: single nucleotide variant.
Coding change: c.57A>T on transcript NM_000350.3 (MANE Select); coding-DNA position 57, A replaced by T.
Protein change: p.Lys19Asn; replaces lysine 19 with asparagine.
Molecular consequence: missense variant.
Genome position (GRCh38, 1-based): chr1:94,120,989, T>A on the plus strand (A>T on the coding strand, the complement: ABCA4 is on the minus strand). VCF-style: chr1-94120989-T-A. GRCh37 (hg19) VCF-style: chr1-94586545-T-A.
Other names: c.57A>T, p.Lys19Asn (NM_001425324.1); short protein forms K19N.
Identifiers: ClinVar variation 1377355 (VCV001377355.6), dbSNP rs1662934961, ClinGen allele CA341288544.

ClinVar aggregate classification (germline): Likely pathogenic (1 of 4 stars; one submission).

Submission:

Labcorp Genetics (formerly Invitae), Labcorp
Classification: Likely pathogenic. Last evaluated: 2023-03-11. Review status: criteria provided, single submitter. Criteria: Invitae Variant Classification Sherloc (09022015). Collection method: clinical testing. Allele origin: germline.
Comment: In summary, the currently available evidence indicates that the variant is pathogenic, but additional data are needed to prove that conclusively. Therefore, this variant has been classified as Likely Pathogenic. Advanced modeling of protein sequence and biophysical properties (such as structural, functional, and spatial information, amino acid conservation, physicochemical variation, residue mobility, and thermodynamic stability) performed at Invitae indicates that this missense variant is expected to disrupt ABCA4 protein function. ClinVar contains an entry for this variant (Variation ID: 1377355). This missense change has been observed in individual(s) with Stargardt disease (Invitae). This variant is not present in population databases (gnomAD no frequency). This sequence change replaces lysine, which is basic and polar, with asparagine, which is neutral and polar, at codon 19 of the ABCA4 protein (p.Lys19Asn).